The following is an entry in ClinVar:

NM_000321.3(RB1):c.2759T>C (p.Met920Thr)

Gene: RB1 (RB transcriptional corepressor 1; plus strand). Cytogenetic location: 13q14.2.
Variant type: single nucleotide variant.
Coding change: c.2759T>C on transcript NM_000321.3 (MANE Select); coding-DNA position 2759, T replaced by C.
Protein change: p.Met920Thr; replaces methionine 920 with threonine.
Molecular consequence: missense variant.
Genome position (GRCh38, 1-based): chr13:48,480,043, T>C. VCF-style: chr13-48480043-T-C. GRCh37 (hg19) VCF-style: chr13-49054179-T-C.
Other names: short protein forms M920T.
Identifiers: ClinVar variation 821771 (VCV000821771.17), dbSNP rs148501460, ClinGen allele CA037404.

ClinVar aggregate classification (germline): Conflicting classifications of pathogenicity. Review status: criteria provided, conflicting classifications (1 of 4 stars). 4 submissions from 4 submitters: Uncertain significance (1); Likely benign (3). Last evaluated 2026-08-06.

Conditions:
Hereditary cancer-predisposing syndrome. Also called: Tumor predisposition; Hereditary Cancer Syndrome; Neoplastic Syndromes, Hereditary; Hereditary neoplastic syndrome. Identifiers: Orphanet 140162, MedGen C0027672, MeSH D009386, MONDO:0015356.
Retinoblastoma (RB1). Also called: RETINOBLASTOMA, SOMATIC. Identifiers: Orphanet 790, MedGen C0035335, MeSH D012175, MONDO:0008380, OMIM 180200, HP:0009919. Disease mechanism: loss of function. Inheritance: Both sporadic and heritable forms are tested..

Allele frequency attached by ClinVar (database versions not stated): gnomAD exomes below 0.00001; ExAC 0.00002; TOPMed 0.00002; gnomAD 0.00004; ESP Exome Variant Server 0.00015.
gnomAD v4.1: 7 of 1,613,350 alleles (0.00043%); highest among the groups gnomAD compares: African/African-American, 0.0067%; no homozygotes.

Submissions (4):

Ambry Genetics
Classification: Likely benign for Hereditary cancer-predisposing syndrome. Last evaluated: 2026-08-06. Review status: criteria provided, single submitter. Criteria: Ambry Variant Classification Scheme 2023. Collection method: clinical testing. Allele origin: germline.

Labcorp Genetics (formerly Invitae), Labcorp
Classification: Likely benign for Retinoblastoma. Last evaluated: 2025-08-04. Review status: criteria provided, single submitter. Criteria: Invitae Variant Classification Sherloc (09022015). Collection method: clinical testing. Allele origin: germline.

Color Diagnostics, LLC DBA Color Health
Classification: Likely benign for Retinoblastoma. Last evaluated: 2025-06-17. Review status: criteria provided, single submitter. Criteria: ACMG Guidelines, 2015. Collection method: clinical testing. Allele origin: germline.

GeneDx
Classification: Uncertain significance. Last evaluated: 2024-12-04. Review status: criteria provided, single submitter. Criteria: GeneDx Variant Classification Process June 2021. Collection method: clinical testing. Allele origin: germline. Affected: yes.
Comment: Not observed at significant frequency in large population cohorts (gnomAD); In silico analysis indicates that this missense variant does not alter protein structure/function; Has not been previously published as pathogenic or benign to our knowledge; This variant is associated with the following publications: (PMID: 23516486)